The following is an entry in ClinVar:

ClinVar aggregate classification (germline): Benign/Likely benign. Review status: criteria provided, multiple submitters, no conflicts (2 of 4 stars). 11 submissions from 11 submitters: Benign (1); Likely benign (6). 4 of the submissions do not count toward it. Last evaluated 2025-12-08.

Conditions:
Hereditary cancer-predisposing syndrome. Also called: Neoplastic Syndromes, Hereditary; Hereditary Cancer Syndrome; Hereditary neoplastic syndrome; Tumor predisposition. Identifiers: Orphanet 140162, MedGen C0027672, MeSH D009386, MONDO:0015356.
Peutz-Jeghers syndrome (PJS). Also called: Peutz-Jeghers polyposis; Periorificial lentiginosis syndrome; POLYPOSIS, HAMARTOMATOUS INTESTINAL; POLYPS-AND-SPOTS SYNDROME. Identifiers: Orphanet 2869, MedGen C0031269, MeSH D010580, MONDO:0008280, OMIM 175200.

Allele frequency attached by ClinVar (database versions not stated): gnomAD exomes 0.00002; gnomAD 0.00005; ExAC 0.00006; TOPMed 0.00006.
gnomAD v4.1: 90 of 1,592,700 alleles (0.0057%); highest among the groups gnomAD compares: Non-Finnish European, 0.0075%; no homozygotes.

Submissions (11):

Labcorp Genetics (formerly Invitae), Labcorp
Classification: Likely benign for Peutz-Jeghers syndrome. Last evaluated: 2025-12-08. Review status: criteria provided, single submitter. Criteria: Invitae Variant Classification Sherloc (09022015). Collection method: clinical testing. Allele origin: germline.

Center for Genomic Medicine, Rigshospitalet, Copenhagen University Hospital
Classification: Likely benign. Last evaluated: 2025-03-04. Review status: criteria provided, single submitter. Criteria: ACMG Guidelines, 2015. Collection method: clinical testing. Allele origin: germline.

Myriad Genetics, Inc.
Classification: Likely benign for Peutz-Jeghers syndrome. Last evaluated: 2023-04-14. Review status: criteria provided, single submitter. Criteria: Myriad Autosomal Dominant, Autosomal Recessive and X-Linked Classification Criteria (2023). Collection method: clinical testing. Allele origin: unknown.
Comment: This variant is considered likely benign. This variant is intronic and is not expected to impact mRNA splicing.

Genome-Nilou Lab
Classification: Likely benign for Peutz-Jeghers syndrome. Last evaluated: 2021-07-15. Review status: criteria provided, single submitter. Criteria: ACMG Guidelines, 2015. Collection method: clinical testing. Allele origin: germline. Affected: no.

PreventionGenetics, part of Exact Sciences
Classification: Likely benign. Last evaluated: 2017-08-25. Review status: criteria provided, single submitter. Criteria: ACMG Guidelines, 2015. Collection method: clinical testing. Allele origin: germline.

Color Diagnostics, LLC DBA Color Health
Classification: Likely benign for Hereditary cancer-predisposing syndrome. Last evaluated: 2016-03-23. Review status: criteria provided, single submitter. Criteria: ACMG Guidelines, 2015. Collection method: clinical testing. Allele origin: germline.

GeneDx
Classification: Benign. Last evaluated: 2014-01-30. Review status: criteria provided, single submitter. Criteria: GeneDx Variant Classification (06012015). Collection method: clinical testing. Allele origin: germline. Affected: yes.
Comment: This variant is considered likely benign or benign based on one or more of the following criteria: it is a conservative change, it occurs at a poorly conserved position in the protein, it is predicted to be benign by multiple in silico algorithms, and/or has population frequency not consistent with disease.

Counsyl
Classification: Likely benign for Peutz-Jeghers syndrome. Last evaluated: 2016-09-06. Review status: no assertion criteria provided. Collection method: clinical testing. Allele origin: unknown. Not counted in ClinVar's aggregate classification.

Clinical Genetics, Academic Medical Center
Classification: Likely benign. Review status: no assertion criteria provided. Collection method: clinical testing. Allele origin: germline. Affected: yes. Study: VKGL Data-share Consensus. Not counted in ClinVar's aggregate classification.

Joint Genome Diagnostic Labs from Nijmegen and Maastricht, Radboudumc and MUMC+
Classification: Likely benign. Review status: no assertion criteria provided. Collection method: clinical testing. Allele origin: germline. Affected: yes. Study: VKGL Data-share Consensus. Not counted in ClinVar's aggregate classification.

Laboratory of Diagnostic Genome Analysis, Leiden University Medical Center (LUMC)
Classification: Likely benign. Review status: no assertion criteria provided. Collection method: clinical testing. Allele origin: germline. Affected: yes. Study: VKGL Data-share Consensus. Not counted in ClinVar's aggregate classification.

Literature cited by the submitters: PubMed 25186627 (cited by Counsyl).

NM_000455.5(STK11):c.465-18G>T

Gene: STK11 (serine/threonine kinase 11; plus strand). Cytogenetic location: 19p13.3.
Variant type: single nucleotide variant.
Coding change: c.465-18G>T on transcript NM_000455.5 (MANE Select); 18 bases into the intron before coding-DNA position 465, G replaced by T.
Molecular consequence: intron variant.
Genome position (GRCh38, 1-based): chr19:1,220,355, G>T. VCF-style: chr19-1220355-G-T. GRCh37 (hg19) VCF-style: chr19-1220354-G-T.
Identifiers: ClinVar variation 139332 (VCV000139332.27), dbSNP rs587781177, ClinGen allele CA023024.